The following is an entry in ClinVar:

ClinVar aggregate classification (germline): Uncertain significance. Review status: criteria provided, multiple submitters, no conflicts (2 of 4 stars). 4 submissions from 4 submitters: Uncertain significance (4). Last evaluated 2024-05-15.

Conditions:
Inborn genetic diseases. Identifiers: MedGen C0950123, MeSH D030342.
Autosomal recessive limb-girdle muscular dystrophy type 2P. Also called: MUSCULAR DYSTROPHY, LIMB-GIRDLE, TYPE 2P; MUSCULAR DYSTROPHY-DYSTROGLYCANOPATHY, LIMB-GIRDLE, DAG1-RELATED; Limb-Girdle Muscular Dystrophy Type 9C. Identifiers: Orphanet 280333, MedGen C4511963, MONDO:0013440, OMIM 613818.
Muscular dystrophy-dystroglycanopathy (congenital with brain and eye anomalies), type A9. Also called: WALKER-WARBURG SYNDROME OR MUSCLE-EYE BRAIN DISEASE, DAG1-RELATED; Muscular dystrophy-dystroglycanopathy (congenital with brain and eye anomalies), type a, 9. Identifiers: Orphanet 370997, Orphanet 899, MedGen C4225291, MONDO:0014683, OMIM 616538.

Allele frequency attached by ClinVar (database versions not stated): TOPMed below 0.00001; ExAC 0.00002; gnomAD exomes 0.00001; gnomAD 0.00001; ESP Exome Variant Server 0.00008.
gnomAD v4.1: 22 of 1,614,014 alleles (0.0014%); highest among the groups gnomAD compares: South Asian, 0.0022%; no homozygotes.

Submissions (4):

Revvity Omics, Revvity
Classification: Uncertain significance. Last evaluated: 2024-05-15. Review status: criteria provided, single submitter. Criteria: ACMG Guidelines, 2015. Collection method: clinical testing. Allele origin: germline.

Labcorp Genetics (formerly Invitae), Labcorp
Classification: Uncertain significance for Autosomal recessive limb-girdle muscular dystrophy type 2P; Muscular dystrophy-dystroglycanopathy (congenital with brain and eye anomalies), type A9. Last evaluated: 2022-06-29. Review status: criteria provided, single submitter. Criteria: Invitae Variant Classification Sherloc (09022015). Collection method: clinical testing. Allele origin: germline.
Comment: This sequence change replaces arginine, which is basic and polar, with histidine, which is basic and polar, at codon 479 of the DAG1 protein (p.Arg479His). This variant is present in population databases (rs369458042, gnomAD 0.007%). This variant has not been reported in the literature in individuals affected with DAG1-related conditions. ClinVar contains an entry for this variant (Variation ID: 196382). Algorithms developed to predict the effect of missense changes on protein structure and function are either unavailable or do not agree on the potential impact of this missense change (SIFT: "Deleterious"; PolyPhen-2: "Possibly Damaging"; Align-GVGD: "Class C0"). In summary, the available evidence is currently insufficient to determine the role of this variant in disease. Therefore, it has been classified as a Variant of Uncertain Significance.

Ambry Genetics
Classification: Uncertain significance for Inborn genetic diseases. Last evaluated: 2020-12-08. Review status: criteria provided, single submitter. Criteria: Ambry Variant Classification Scheme 2023. Collection method: clinical testing. Allele origin: germline.
Comment: The c.1436G>A (p.R479H) alteration is located in exon 3 (coding exon 2) of the DAG1 gene. This alteration results from a G to A substitution at nucleotide position 1436, causing the arginine (R) at amino acid position 479 to be replaced by a histidine (H). The p.R479H alteration is predicted to be tolerated by in silico analysis. Based on insufficient or conflicting evidence, the clinical significance of this alteration remains unclear.

Eurofins Ntd Llc (ga)
Classification: Uncertain significance. Last evaluated: 2014-12-09. Review status: criteria provided, single submitter. Criteria: EGL Classification Definitions 2015. Collection method: clinical testing. Allele origin: germline. Observed: 1 variant allele, 1 heterozygote.

NM_004393.6(DAG1):c.1436G>A (p.Arg479His)

Gene: DAG1 (dystroglycan 1; plus strand). Cytogenetic location: 3p21.31.
Variant type: single nucleotide variant.
Coding change: c.1436G>A on transcript NM_004393.6 (MANE Select); coding-DNA position 1436, G replaced by A.
Protein change: p.Arg479His; replaces arginine 479 with histidine.
Molecular consequence: missense variant.
Genome position (GRCh38, 1-based): chr3:49,531,947, G>A. VCF-style: chr3-49531947-G-A. GRCh37 (hg19) VCF-style: chr3-49569380-G-A.
Other names: c.1436G>A, p.Arg479His (NM_001165928.4, NM_001177634.3, NM_001177635.3 and 9 more transcripts); c.1436G>A (NM_004393.4); short protein forms R479H.
Identifiers: ClinVar variation 196382 (VCV000196382.9), dbSNP rs369458042, ClinGen allele CA243306.
Genomic context (GRCh38, chr3:49,531,947, plus strand): 5'-TGCCCCGGGTCACCACCAAAGTTTCCATCACCAGATTGGAAACTGCCTCACCGCCTACTC[G>A]TATTCGCACCACCACCAGTGGAGTGCCCCGTGGCGGAGAACCCAACCAGCGCCCAGAGCT-3'
Protein context (NP_004384.5, residues 469-489): TRLETASPPT[Arg479His]IRTTTSGVPR